The following is an entry in ClinVar:

NM_001846.4(COL4A2):c.1740T>A (p.Asp580Glu)

Genes: COL4A2 (collagen type IV alpha 2 chain; plus strand), COL4A2-AS2 (COL4A2 antisense RNA 2; minus strand). Cytogenetic location: 13q34.
Variant type: single nucleotide variant.
Coding change: c.1740T>A on transcript NM_001846.4 (MANE Select); coding-DNA position 1740, T replaced by A.
Protein change: p.Asp580Glu; replaces aspartic acid 580 with glutamic acid.
Molecular consequence: missense variant.
Genome position (GRCh38, 1-based): chr13:110,462,348, T>A. VCF-style: chr13-110462348-T-A. GRCh37 (hg19) VCF-style: chr13-111114695-T-A.
Other names: c.1740T>A (NM_001846.2); short protein forms D580E.
Identifiers: ClinVar variation 3348790 (VCV003348790.2).

ClinVar aggregate classification (germline): Uncertain significance. Review status: criteria provided, single submitter (1 of 4 stars). 2 submissions from 2 submitters: Uncertain significance (1). 1 of the submissions does not count toward it. Last evaluated 2024-10-24.

Conditions:
COL4A2-related disorder. Also called: COL4A2-related disorders; COL4A2-related condition.
Inborn genetic diseases. Identifiers: MedGen C0950123, MeSH D030342.

gnomAD v4.1: 32 of 1,613,836 alleles (0.002%); highest among the groups gnomAD compares: African/African-American, 0.0027%; no homozygotes.

Submissions (2):

Ambry Genetics
Classification: Uncertain significance for Inborn genetic diseases. Last evaluated: 2024-10-24. Review status: criteria provided, single submitter. Criteria: Ambry Variant Classification Scheme 2023. Collection method: clinical testing. Allele origin: germline.

PreventionGenetics, part of Exact Sciences
Classification: Uncertain significance for COL4A2-related condition. Last evaluated: 2024-06-05. Review status: no assertion criteria provided. Collection method: clinical testing. Allele origin: germline. Not counted in ClinVar's aggregate classification.
Comment: The COL4A2 c.1740T>A variant is predicted to result in the amino acid substitution p.Asp580Glu. To our knowledge, this variant has not been reported in the literature. This variant is reported in 0.0065% of alleles in individuals of African descent in gnomAD. At this time, the clinical significance of this variant is uncertain due to the absence of conclusive functional and genetic evidence.